The following is an entry in ClinVar:

NM_001184.4(ATR):c.2073T>G (p.Ile691Met)

Gene: ATR (ATR checkpoint kinase; minus strand). Cytogenetic location: 3q23.
Variant type: single nucleotide variant.
Coding change: c.2073T>G on transcript NM_001184.4 (MANE Select); coding-DNA position 2073, T replaced by G.
Protein change: p.Ile691Met; replaces isoleucine 691 with methionine.
Molecular consequence: missense variant.
Genome position (GRCh38, 1-based): chr3:142,556,388, A>C on the plus strand (T>G on the coding strand, the complement: ATR is on the minus strand). VCF-style: chr3-142556388-A-C. GRCh37 (hg19) VCF-style: chr3-142275230-A-C.
Other names: c.1881T>G, p.Ile627Met (NM_001354579.2); short protein forms I627M, I691M.
Identifiers: ClinVar variation 3221072 (VCV003221072.4), dbSNP rs773660116, ClinGen allele CA354819069.
Genomic context (GRCh38, chr3:142,556,388, plus strand): 5'-CAATTATGATCTTTCCAATAGAGTGATATATTCAAATTAAAATCTTAGTACATACATAAG[A>C]ATCTTGGGAACTCTGTTACAAGAATTCTGCTGCTGCAATAAGATAAAAAATCCACTAACA-3'
Protein context (NP_001175.2, residues 681-701): QQNSCNRVPK[Ile691Met]LIDKVKDDSD

ClinVar aggregate classification (germline): Uncertain significance. Review status: criteria provided, multiple submitters, no conflicts (2 of 4 stars). 2 submissions from 2 submitters: Uncertain significance (2). Last evaluated 2023-10-26.

Conditions:
Familial cutaneous telangiectasia and oropharyngeal predisposition cancer syndrome. Identifiers: Orphanet 313846, MedGen C3281203, MONDO:0013806, OMIM 614564.
Inborn genetic diseases. Identifiers: MedGen C0950123, MeSH D030342.

gnomAD v4.1: 2 of 1,613,104 alleles (0.00012%); highest among the groups gnomAD compares: South Asian, 0.0022%; no homozygotes.

Submissions (2):

Ambry Genetics
Classification: Uncertain significance for Inborn genetic diseases. Last evaluated: 2023-10-26. Review status: criteria provided, single submitter. Criteria: Ambry Variant Classification Scheme 2023. Collection method: clinical testing. Allele origin: germline.
Comment: The p.I691M variant (also known as c.2073T>G), located in coding exon 9 of the ATR gene, results from a T to G substitution at nucleotide position 2073. The isoleucine at codon 691 is replaced by methionine, an amino acid with highly similar properties. This amino acid position is conserved. In addition, this alteration is predicted to be tolerated by in silico analysis. Since supporting evidence is limited at this time, the clinical significance of this alteration remains unclear.

Neuberg Centre For Genomic Medicine, NCGM
Classification: Uncertain significance for Familial cutaneous telangiectasia and oropharyngeal predisposition cancer syndrome. Last evaluated: 2023-05-20. Review status: criteria provided, single submitter. Criteria: ACMG Guidelines, 2015. Collection method: clinical testing. Allele origin: germline. Inheritance: Autosomal dominant inheritance. Affected: yes.
Comment: The missense variant c.2073T>G(p.Ile691Met) in ATR gene has not been reported previously as a pathogenic variant nor as a benign variant, to our knowledge. The observed variant has allele frequency of 0.0004% in gnomAD exomes database. This variant has not been submitted to the ClinVar database. Multiple lines of computational evidence (Polyphen - Benign, SIFT - Tolerated and MutationTaster - Polymorphism) predict no damaging effect on protein structure and function for this variant. The reference amino acid change p.Ile691Met in ATR is predicted as conserved by PhyloP across 100 vertebrates. The amino acid Ile at position 691 is changed to a Met changing protein sequence and it might alter its composition and physico-chemical properties. For these reasons, this variant has been classified as Uncertain Significance (VUS).